The following is an entry in ClinVar:

ClinVar aggregate classification (germline): Benign (1 of 4 stars; one submission).

Allele frequency attached by ClinVar (database versions not stated): gnomAD 0.69106 and 0.69168; TOPMed 0.69372; 1000 Genomes Project 0.70148; 1000 Genomes Project 30x 0.70690.
gnomAD v4.1: 105,188 of 152,070 alleles (69%); highest among the groups gnomAD compares: Admixed American, 76%; 36,494 homozygotes.

Submission:

GeneDx
Classification: Benign. Last evaluated: 2018-06-14. Review status: criteria provided, single submitter. Criteria: GeneDx Variant Classification (06012015). Collection method: clinical testing. Allele origin: germline. Affected: yes.
Comment: This variant is considered likely benign or benign based on one or more of the following criteria: it is a conservative change, it occurs at a poorly conserved position in the protein, it is predicted to be benign by multiple in silico algorithms, and/or has population frequency not consistent with disease.

NM_001127222.2(CACNA1A):c.979-243A>G

Gene: CACNA1A (calcium voltage-gated channel subunit alpha1 A; minus strand). Cytogenetic location: 19p13.13.
Variant type: single nucleotide variant.
Coding change: c.979-243A>G on transcript NM_001127222.2 (MANE Select); 243 bases into the intron before coding-DNA position 979, A replaced by G.
Molecular consequence: intron variant.
Genome position (GRCh38, 1-based): chr19:13,336,152, T>C on the plus strand (A>G on the coding strand, the complement: CACNA1A is on the minus strand). VCF-style: chr19-13336152-T-C. GRCh37 (hg19) VCF-style: chr19-13446966-T-C.
Other names: c.979-243A>G (NM_001127221.2, NM_001174080.2, NM_000068.4 and 1 more transcripts).
Identifiers: ClinVar variation 678169 (VCV000678169.1), dbSNP rs3816720, ClinGen allele CA15953254.